The following is an entry in ClinVar:

ClinVar aggregate classification (germline): Likely benign. Review status: criteria provided, multiple submitters, no conflicts (2 of 4 stars). 4 submissions from 4 submitters: Likely benign (4). Last evaluated 2025-12-28.

Conditions:
POLD1-related polyposis and colorectal cancer syndrome (CRCS10). Also called: COLORECTAL CANCER, SUSCEPTIBILITY TO, ON CHROMOSOME 19q; Colorectal cancer 10; Colorectal cancer, susceptibility to, 10. Identifiers: Orphanet 220460, MedGen C2675481, MONDO:0012953, OMIM 612591.

Allele frequency attached by ClinVar (database versions not stated): gnomAD exomes 0.00003; TOPMed 0.00003; ExAC 0.00006; ESP Exome Variant Server 0.00008.
gnomAD v4.1: 30 of 1,540,094 alleles (0.0019%); highest among the groups gnomAD compares: African/African-American, 0.0055%; no homozygotes.

Submissions (4):

Labcorp Genetics (formerly Invitae), Labcorp
Classification: Likely benign for POLD1-related polyposis and colorectal cancer syndrome. Last evaluated: 2025-12-28. Review status: criteria provided, single submitter. Criteria: Invitae Variant Classification Sherloc (09022015). Collection method: clinical testing. Allele origin: germline.

Myriad Genetics, Inc.
Classification: Likely benign for POLD1-related polyposis and colorectal cancer syndrome. Last evaluated: 2025-02-05. Review status: criteria provided, single submitter. Criteria: Myriad Autosomal Dominant, Autosomal Recessive and X-Linked Classification Criteria (2023). Collection method: clinical testing. Allele origin: unknown.
Comment: This variant is considered likely benign. This variant is intronic and is not expected to impact mRNA splicing.

Blueprint Genetics
Classification: Likely benign. Last evaluated: 2024-05-08. Review status: criteria provided, single submitter. Criteria: ACMG Guidelines, 2015. Collection method: clinical testing. Allele origin: germline.

PreventionGenetics, part of Exact Sciences
Classification: Likely benign. Last evaluated: 2017-10-10. Review status: criteria provided, single submitter. Criteria: ACMG Guidelines, 2015. Collection method: clinical testing. Allele origin: germline.

NM_002691.4(POLD1):c.1137+9C>T

Gene: POLD1 (DNA polymerase delta 1, catalytic subunit; plus strand). Cytogenetic location: 19q13.33.
Variant type: single nucleotide variant.
Coding change: c.1137+9C>T on transcript NM_002691.4 (MANE Select); 9 bases into the intron after coding-DNA position 1137, C replaced by T.
Molecular consequence: intron variant.
Genome position (GRCh38, 1-based): chr19:50,403,228, C>T. VCF-style: chr19-50403228-C-T. GRCh37 (hg19) VCF-style: chr19-50906485-C-T.
Other names: c.1137+9C>T (LRG_785t2, LRG_785t1, NM_001256849.1 and 1 more transcripts).
Identifiers: ClinVar variation 239222 (VCV000239222.14), dbSNP rs373860178, ClinGen allele CA9596027.